The following is an entry in ClinVar:

ClinVar aggregate classification (germline): Uncertain significance. Review status: criteria provided, multiple submitters, no conflicts (2 of 4 stars). 3 submissions from 3 submitters: Uncertain significance (3). Last evaluated 2025-08-08.

Conditions:
Pitt-Hopkins-like syndrome 2 (PTHSL2). Identifiers: Orphanet 221150, Orphanet 600663, MedGen C3280479, MONDO:0013690, OMIM 614325.
Inborn genetic diseases. Identifiers: MedGen C0950123, MeSH D030342.

Allele frequency attached by ClinVar (database versions not stated): gnomAD 0.00001; gnomAD exomes 0.00001.
gnomAD v4.1: 13 of 1,596,636 alleles (0.00081%); highest among the groups gnomAD compares: African/African-American, 0.0013%; no homozygotes.

Submissions (3):

GeneDx
Classification: Uncertain significance. Last evaluated: 2025-08-08. Review status: criteria provided, single submitter. Criteria: GeneDx Variant Classification Process June 2021. Collection method: clinical testing. Allele origin: germline. Affected: yes.
Comment: Not observed at significant frequency in large population cohorts (gnomAD); In silico analysis suggests that this missense variant does not alter protein structure/function; Has not been previously published as pathogenic or benign to our knowledge

Labcorp Genetics (formerly Invitae), Labcorp
Classification: Uncertain significance for Pitt-Hopkins-like syndrome 2. Last evaluated: 2024-10-31. Review status: criteria provided, single submitter. Criteria: Invitae Variant Classification Sherloc (09022015). Collection method: clinical testing. Allele origin: germline.
Comment: This sequence change replaces threonine, which is neutral and polar, with isoleucine, which is neutral and non-polar, at codon 284 of the NRXN1 protein (p.Thr284Ile). This variant is not present in population databases (gnomAD no frequency). This variant has not been reported in the literature in individuals affected with NRXN1-related conditions. ClinVar contains an entry for this variant (Variation ID: 1907055). An algorithm developed to predict the effect of missense changes on protein structure and function (PolyPhen-2) suggests that this variant is likely to be tolerated. Algorithms developed to predict the effect of sequence changes on RNA splicing suggest that this variant may disrupt the consensus splice site. In summary, the available evidence is currently insufficient to determine the role of this variant in disease. Therefore, it has been classified as a Variant of Uncertain Significance.

Ambry Genetics
Classification: Uncertain significance for Inborn genetic diseases. Last evaluated: 2024-06-03. Review status: criteria provided, single submitter. Criteria: Ambry Variant Classification Scheme 2023. Collection method: clinical testing. Allele origin: germline.

NM_001330078.2(NRXN1):c.772+1111C>T

Gene: NRXN1 (neurexin 1; minus strand). Cytogenetic location: 2p16.3.
Variant type: single nucleotide variant.
Coding change: c.772+1111C>T on transcript NM_001330078.2 (MANE Select); 1111 bases into the intron after coding-DNA position 772, C replaced by T.
Molecular consequence: intron variant. On other transcripts: missense variant (1).
Genome position (GRCh38, 1-based): chr2:51,026,391, G>A on the plus strand (C>T on the coding strand, the complement: NRXN1 is on the minus strand). VCF-style: chr2-51026391-G-A. GRCh37 (hg19) VCF-style: chr2-51253529-G-A.
Other names: c.851C>T (NM_001135659.1); c.851C>T, p.Thr284Ile (NM_001135659.3); c.772+1111C>T (NM_001330096.2, NM_001330087.2, NM_001330083.2 and 14 more transcripts); short protein forms T284I.
Identifiers: ClinVar variation 1907055 (VCV001907055.6), dbSNP rs1200874930, ClinGen allele CA346823057.